The following is an entry in ClinVar:

NM_003730.6(RNASET2):c.289T>A (p.Trp97Arg)

Gene: RNASET2 (ribonuclease T2; minus strand). Cytogenetic location: 6q27.
Variant type: single nucleotide variant.
Coding change: c.289T>A on transcript NM_003730.6 (MANE Select); coding-DNA position 289, T replaced by A.
Protein change: p.Trp97Arg; replaces tryptophan 97 with arginine.
Molecular consequence: missense variant.
Genome position (GRCh38, 1-based): chr6:166,943,062, A>T on the plus strand (T>A on the coding strand, the complement: RNASET2 is on the minus strand). VCF-style: chr6-166943062-A-T. GRCh37 (hg19) VCF-style: chr6-167356550-A-T.
Other names: short protein forms W97R.
Identifiers: ClinVar variation 3375760 (VCV003375760.1).

ClinVar aggregate classification (germline): Uncertain significance (1 of 4 stars; one submission).

Submission:

GeneDx
Classification: Uncertain significance. Last evaluated: 2024-05-07. Review status: criteria provided, single submitter. Criteria: GeneDx Variant Classification Process June 2021. Collection method: clinical testing. Allele origin: germline. Affected: yes.
Comment: Not observed at significant frequency in large population cohorts (gnomAD); In silico analysis supports that this missense variant has a deleterious effect on protein structure/function; Has not been previously published as pathogenic or benign to our knowledge